The following is an entry in ClinVar:

ClinVar aggregate classification (germline): Likely benign (1 of 4 stars; one submission).

Submission:

CeGaT Center for Human Genetics Tuebingen
Classification: Likely benign. Last evaluated: 2024-12-01. Review status: criteria provided, single submitter. Criteria: CeGaT Center For Human Genetics Tuebingen Variant Classification Criteria Version 2. Collection method: clinical testing. Allele origin: germline. Affected: yes. Observed: 1 variant allele.
Comment: MSLNL: BP4, BP7

NC_000016.10:g.775280C>T

Variant type: single nucleotide variant.
Genome position: GRCh38 VCF-style: chr16-775280-C-T. GRCh37 (hg19) VCF-style: chr16-825280-C-T.
Identifiers: ClinVar variation 3771536 (VCV003771536.13).
Genomic context (GRCh38, chr16:775,280, plus strand): 5'-CACGTCCCCCTGGGCGGCACGGCGGATGAAGGCCCGGCAGTCGGCTTCCCGCACCTGGCT[C>T]AGGCTACAGGTGAGTGTGAGGCTGTCAGGCCGACTGGGGGTGGGGCCGGACCTCCCAGCA-3'